The following is an entry in ClinVar:

NM_004393.6(DAG1):c.2612C>T (p.Ala871Val)

Gene: DAG1 (dystroglycan 1; plus strand). Cytogenetic location: 3p21.31.
Variant type: single nucleotide variant.
Coding change: c.2612C>T on transcript NM_004393.6 (MANE Select); coding-DNA position 2612, C replaced by T.
Protein change: p.Ala871Val; replaces alanine 871 with valine.
Molecular consequence: missense variant.
Genome position (GRCh38, 1-based): chr3:49,533,123, C>T. VCF-style: chr3-49533123-C-T. GRCh37 (hg19) VCF-style: chr3-49570556-C-T.
Other names: c.2612C>T, p.Ala871Val (NM_001165928.4, NM_001177634.3, NM_001177635.3 and 9 more transcripts); c.2612C>T (NM_004393.4); short protein forms A871V.
Identifiers: ClinVar variation 2175389 (VCV002175389.2), dbSNP rs746773372, ClinGen allele CA2399299.

ClinVar aggregate classification (germline): Uncertain significance. Review status: criteria provided, multiple submitters, no conflicts (2 of 4 stars). 2 submissions from 2 submitters: Uncertain significance (2). Last evaluated 2024-11-09.

Conditions:
Inborn genetic diseases. Identifiers: MedGen C0950123, MeSH D030342.
Autosomal recessive limb-girdle muscular dystrophy type 2P. Also called: MUSCULAR DYSTROPHY-DYSTROGLYCANOPATHY, LIMB-GIRDLE, DAG1-RELATED; Limb-Girdle Muscular Dystrophy Type 9C; MUSCULAR DYSTROPHY, LIMB-GIRDLE, TYPE 2P. Identifiers: Orphanet 280333, MedGen C4511963, MONDO:0013440, OMIM 613818.
Muscular dystrophy-dystroglycanopathy (congenital with brain and eye anomalies), type A9. Also called: WALKER-WARBURG SYNDROME OR MUSCLE-EYE BRAIN DISEASE, DAG1-RELATED; Muscular dystrophy-dystroglycanopathy (congenital with brain and eye anomalies), type a, 9. Identifiers: Orphanet 370997, Orphanet 899, MedGen C4225291, MONDO:0014683, OMIM 616538.

Allele frequency attached by ClinVar (database versions not stated): TOPMed below 0.00001; ExAC 0.00002.
gnomAD v4.1: 45 of 1,614,222 alleles (0.0028%); highest among the groups gnomAD compares: Middle Eastern, 0.016%; no homozygotes.

Submissions (2):

Ambry Genetics
Classification: Uncertain significance for Inborn genetic diseases. Last evaluated: 2024-11-09. Review status: criteria provided, single submitter. Criteria: Ambry Variant Classification Scheme 2023. Collection method: clinical testing. Allele origin: germline.

Labcorp Genetics (formerly Invitae), Labcorp
Classification: Uncertain significance for Autosomal recessive limb-girdle muscular dystrophy type 2P; Muscular dystrophy-dystroglycanopathy (congenital with brain and eye anomalies), type A9. Last evaluated: 2022-08-10. Review status: criteria provided, single submitter. Criteria: Invitae Variant Classification Sherloc (09022015). Collection method: clinical testing. Allele origin: germline.
Comment: This sequence change replaces alanine, which is neutral and non-polar, with valine, which is neutral and non-polar, at codon 871 of the DAG1 protein (p.Ala871Val). This variant is present in population databases (rs746773372, gnomAD 0.003%). This variant has not been reported in the literature in individuals affected with DAG1-related conditions. Algorithms developed to predict the effect of missense changes on protein structure and function are either unavailable or do not agree on the potential impact of this missense change (SIFT: "Tolerated"; PolyPhen-2: "Probably Damaging"; Align-GVGD: "Class C0"). In summary, the available evidence is currently insufficient to determine the role of this variant in disease. Therefore, it has been classified as a Variant of Uncertain Significance.